The following is an entry in ClinVar:

NM_020921.4(NIN):c.2704A>G (p.Lys902Glu)

Gene: NIN (ninein; minus strand). Cytogenetic location: 14q22.1.
Variant type: single nucleotide variant.
Coding change: c.2704A>G on transcript NM_020921.4 (MANE Select); coding-DNA position 2704, A replaced by G.
Protein change: p.Lys902Glu; replaces lysine 902 with glutamic acid.
Molecular consequence: missense variant. On other transcripts: intron variant (1).
Genome position (GRCh38, 1-based): chr14:50,758,326, T>C on the plus strand (A>G on the coding strand, the complement: NIN is on the minus strand). VCF-style: chr14-50758326-T-C. GRCh37 (hg19) VCF-style: chr14-51225044-T-C.
Other names: c.2704A>G, p.Lys902Glu (NM_182944.3, NM_182946.2); c.2399+1531A>G (NM_016350.5); c.2704A>G (NM_020921.3); short protein forms K902E.
Identifiers: ClinVar variation 2040615 (VCV002040615.4), dbSNP rs776608678, ClinGen allele CA7181877.

ClinVar aggregate classification (germline): Conflicting classifications of pathogenicity. Review status: criteria provided, conflicting classifications (1 of 4 stars). 2 submissions from 2 submitters: Uncertain significance (1); Likely benign (1). Last evaluated 2025-10-03.

Allele frequency attached by ClinVar (database versions not stated): gnomAD exomes 0.00001; ExAC 0.00002; gnomAD 0.00003; TOPMed 0.00006.
gnomAD v4.1: 33 of 1,614,136 alleles (0.002%); highest among the groups gnomAD compares: East Asian, 0.038%; no homozygotes.

Submissions (2):

Labcorp Genetics (formerly Invitae), Labcorp
Classification: Uncertain significance. Last evaluated: 2025-10-03. Review status: criteria provided, single submitter. Criteria: Invitae Variant Classification Sherloc (09022015). Collection method: clinical testing. Allele origin: germline.
Comment: This sequence change replaces lysine, which is basic and polar, with glutamic acid, which is acidic and polar, at codon 902 of the NIN protein (p.Lys902Glu). This variant is present in population databases (rs776608678, gnomAD 0.05%). This variant has not been reported in the literature in individuals affected with NIN-related conditions. ClinVar contains an entry for this variant (Variation ID: 2040615). An algorithm developed to predict the effect of missense changes on protein structure and function outputs the following: PolyPhen-2: "Benign". The glutamic acid amino acid residue is found in multiple mammalian species, which suggests that this missense change does not adversely affect protein function. In summary, the available evidence is currently insufficient to determine the role of this variant in disease. Therefore, it has been classified as a Variant of Uncertain Significance.

Ambry Genetics
Classification: Likely benign. Last evaluated: 2024-01-29. Review status: criteria provided, single submitter. Criteria: Ambry Variant Classification Scheme 2023. Collection method: clinical testing. Allele origin: germline.